The following is an entry in ClinVar:

ClinVar aggregate classification (germline): Likely pathogenic (1 of 4 stars; one submission).

Submission:

Dasa
Classification: Likely pathogenic. Last evaluated: 2026-03-27. Review status: criteria provided, single submitter. Criteria: DASA Assertion Criteria. Collection method: clinical testing. Allele origin: germline.
Comment: NM_001429.4(EP300):c.4181_4188dup (p.Tyr1397Thrfs*16) introduces a premature termination codon predicted to result in loss of normal protein function. Loss-of-function is an established mechanism of disease for this gene. The variant is present at low frequency in population datasets. Based on the available data, this variant is classified as likely pathogenic.

NM_001429.4(EP300):c.4181_4188dup (p.Tyr1397fs)

Gene: EP300 (EP300 lysine acetyltransferase; plus strand). Cytogenetic location: 22q13.2.
Variant type: Duplication.
Coding change: c.4181_4188dup on transcript NM_001429.4 (MANE Select); coding-DNA positions 4181 to 4188, 8 bases duplicated (ACATATCT; older notation c.4181_4188dupACATATCT).
Protein change: p.Tyr1397fs; shifts the reading frame from tyrosine 1397.
Molecular consequence: frameshift variant.
Genome position (GRCh38, 1-based): chr22:41,169,511-41,169,518, ACATATCT duplicated; duplicating any 8 consecutive bases within chr22:41,169,510-41,169,518 gives the same sequence; the c. name uses the placement nearest the transcript's 3' end. VCF-style (leftmost placement, unchanged base first): chr22-41169509-A-ATACATATC. GRCh37 (hg19) VCF-style: chr22-41565513-A-ATACATATC.
Other names: c.4103_4110dup, p.Tyr1371fs (NM_001362843.2); short protein forms Y1371fs, Y1397fs.
Identifiers: ClinVar variation 4851890 (VCV004851890.1).